The following is an entry in ClinVar:

ClinVar aggregate classification (germline): Uncertain significance. Review status: criteria provided, multiple submitters, no conflicts (2 of 4 stars). 2 submissions from 2 submitters: Uncertain significance (2). Last evaluated 2025-02-08.

Conditions:
Dyskeratosis congenita, autosomal recessive 5 (DKCB5). Identifiers: MedGen C3554656, MONDO:0014076, OMIM 615190.
Pulmonary fibrosis and/or bone marrow failure, Telomere-related, 3. Also called: PULMONARY FIBROSIS AND/OR BONE MARROW FAILURE SYNDROME, TELOMERE-RELATED, 3. Identifiers: Orphanet 2032, MedGen C4225346, MONDO:0014613, OMIM 616373.
Inborn genetic diseases. Identifiers: MedGen C0950123, MeSH D030342.

gnomAD v4.1: 10 of 1,570,054 alleles (0.00064%); highest among the groups gnomAD compares: Non-Finnish European, 0.00086%; no homozygotes.

Submissions (2):

Ambry Genetics
Classification: Uncertain significance for Inborn genetic diseases. Last evaluated: 2025-02-08. Review status: criteria provided, single submitter. Criteria: Ambry Variant Classification Scheme 2023. Collection method: clinical testing. Allele origin: germline.
Comment: The p.H840R variant (also known as c.2519A>G), located in coding exon 26 of the RTEL1 gene, results from an A to G substitution at nucleotide position 2519. The histidine at codon 840 is replaced by arginine, an amino acid with highly similar properties. This amino acid position is conserved. In addition, this alteration is predicted to be tolerated by in silico analysis. Based on the available evidence, the clinical significance of this variant remains unclear.

Labcorp Genetics (formerly Invitae), Labcorp
Classification: Uncertain significance for Dyskeratosis congenita, autosomal recessive 5; Pulmonary fibrosis and/or bone marrow failure, Telomere-related, 3. Last evaluated: 2024-12-24. Review status: criteria provided, single submitter. Criteria: Invitae Variant Classification Sherloc (09022015). Collection method: clinical testing. Allele origin: germline.
Comment: This sequence change replaces histidine, which is basic and polar, with arginine, which is basic and polar, at codon 840 of the RTEL1 protein (p.His840Arg). The frequency data for this variant in the population databases is considered unreliable, as metrics indicate poor data quality at this position in the gnomAD database. This variant has not been reported in the literature in individuals affected with RTEL1-related conditions. An algorithm developed to predict the effect of missense changes on protein structure and function outputs the following: PolyPhen-2: "Benign". The arginine amino acid residue is found in multiple mammalian species, which suggests that this missense change does not adversely affect protein function. In summary, the available evidence is currently insufficient to determine the role of this variant in disease. Therefore, it has been classified as a Variant of Uncertain Significance.

NM_001283009.2(RTEL1):c.2519A>G (p.His840Arg)

Genes: RTEL1 (regulator of telomere elongation helicase 1; plus strand), RTEL1-TNFRSF6B (RTEL1-TNFRSF6B readthrough (NMD candidate); plus strand). Cytogenetic location: 20q13.33.
Variant type: single nucleotide variant.
Coding change: c.2519A>G on transcript NM_001283009.2 (MANE Select); coding-DNA position 2519, A replaced by G.
Protein change: p.His840Arg; replaces histidine 840 with arginine.
Molecular consequence: missense variant. On other transcripts: non-coding transcript variant (1).
Genome position (GRCh38, 1-based): chr20:63,690,910, A>G. VCF-style: chr20-63690910-A-G. GRCh37 (hg19) VCF-style: chr20-62322263-A-G.
Other names: c.1850A>G, p.His617Arg (NM_001283010.1); c.2519A>G, p.His840Arg (NM_016434.4); c.2591A>G, p.His864Arg (NM_032957.5); short protein forms H617R, H840R, H864R.
Identifiers: ClinVar variation 3762169 (VCV003762169.3).